The following is an entry in ClinVar:

NM_000179.3(MSH6):c.227T>A (p.Leu76Gln)

Gene: MSH6 (mutS homolog 6; plus strand). Cytogenetic location: 2p16.3.
Variant type: single nucleotide variant.
Coding change: c.227T>A on transcript NM_000179.3 (MANE Select); coding-DNA position 227, T replaced by A.
Protein change: p.Leu76Gln; replaces leucine 76 with glutamine.
Molecular consequence: missense variant. On other transcripts: 5 prime UTR variant (1).
Genome position (GRCh38, 1-based): chr2:47,783,460, T>A. VCF-style: chr2-47783460-T-A. GRCh37 (hg19) VCF-style: chr2-48010599-T-A.
Other names: c.227T>A, p.Leu76Gln (NM_001281492.2); c.-510T>A (NM_001281493.2); short protein forms L76Q.
Identifiers: ClinVar variation 924917 (VCV000924917.9), dbSNP rs587780672, ClinGen allele CA346735095.

ClinVar aggregate classification (germline): Uncertain significance. Review status: criteria provided, multiple submitters, no conflicts (2 of 4 stars). 4 submissions from 4 submitters: Uncertain significance (4). Last evaluated 2024-07-09.

Conditions:
Hereditary cancer-predisposing syndrome. Also called: Neoplastic Syndromes, Hereditary; Tumor predisposition; Hereditary Cancer Syndrome; Hereditary neoplastic syndrome. Identifiers: Orphanet 140162, MedGen C0027672, MeSH D009386, MONDO:0015356.
Hereditary nonpolyposis colorectal neoplasms. Identifiers: MedGen C0009405, MeSH D003123.
Lynch syndrome. Identifiers: Orphanet 144, MedGen C4552100, MONDO:0005835. Disease mechanism: loss of function.

Allele frequency attached by ClinVar (database versions not stated): gnomAD exomes below 0.00001.
gnomAD v4.1: 1 of 1,462,510 alleles (0.000068%); highest among the groups gnomAD compares: Non-Finnish European, 0.00009%; no homozygotes.

Submissions (4):

Ambry Genetics
Classification: Uncertain significance for Hereditary cancer-predisposing syndrome. Last evaluated: 2024-07-09. Review status: criteria provided, single submitter. Criteria: Ambry Variant Classification Scheme 2023. Collection method: clinical testing. Allele origin: germline.
Comment: The p.L76Q variant (also known as c.227T>A), located in coding exon 1 of the MSH6 gene, results from a T to A substitution at nucleotide position 227. The leucine at codon 76 is replaced by glutamine, an amino acid with dissimilar properties. This amino acid position is conserved. In addition, the in silico prediction for this alteration is inconclusive. Based on the available evidence, the clinical significance of this variant remains unclear.

All of Us Research Program, National Institutes of Health
Classification: Uncertain significance for Lynch syndrome. Last evaluated: 2024-05-30. Review status: criteria provided, single submitter. Criteria: ACMG Guidelines, 2015. Collection method: clinical testing. Allele origin: germline. Inheritance: Autosomal dominant inheritance. Observed: 1 variant allele, 1 heterozygote.
Comment: This missense variant replaces leucine with glutamine at codon 76 of the MSH6 protein. Computational prediction suggests that this variant may not impact protein structure and function (internally defined REVEL score threshold <= 0.5, PMID: 27666373). To our knowledge, functional studies have not been reported for this variant. This variant has not been reported in individuals affected with MSH6-related disorders in the literature. This variant has not been identified in the general population by the Genome Aggregation Database (gnomAD). The available evidence is insufficient to determine the role of this variant in disease conclusively. Therefore, this variant is classified as a Variant of Uncertain Significance.

This study involves interpretation of variants in research participants for the purpose of population health screening. Participant phenotype was not available at the time of variant classification. Additional details can be found in publication PMID: 35346344, PMCID: PMC8962531

Labcorp Genetics (formerly Invitae), Labcorp
Classification: Uncertain significance for Hereditary nonpolyposis colorectal neoplasms. Last evaluated: 2024-01-28. Review status: criteria provided, single submitter. Criteria: Invitae Variant Classification Sherloc (09022015). Collection method: clinical testing. Allele origin: germline.
Comment: This sequence change replaces leucine, which is neutral and non-polar, with glutamine, which is neutral and polar, at codon 76 of the MSH6 protein (p.Leu76Gln). This variant is not present in population databases (gnomAD no frequency). This variant has not been reported in the literature in individuals affected with MSH6-related conditions. ClinVar contains an entry for this variant (Variation ID: 924917). Advanced modeling of protein sequence and biophysical properties (such as structural, functional, and spatial information, amino acid conservation, physicochemical variation, residue mobility, and thermodynamic stability) performed at Invitae indicates that this missense variant is not expected to disrupt MSH6 protein function with a negative predictive value of 95%. In summary, the available evidence is currently insufficient to determine the role of this variant in disease. Therefore, it has been classified as a Variant of Uncertain Significance.

Color Diagnostics, LLC DBA Color Health
Classification: Uncertain significance for Hereditary cancer-predisposing syndrome. Last evaluated: 2023-12-04. Review status: criteria provided, single submitter. Criteria: ACMG Guidelines, 2015. Collection method: clinical testing. Allele origin: germline.
Comment: This missense variant replaces leucine with glutamine at codon 76 of the MSH6 protein. Computational prediction suggests that this variant may not impact protein structure and function (internally defined REVEL score threshold <= 0.5, PMID: 27666373). To our knowledge, functional studies have not been reported for this variant. This variant has not been reported in individuals affected with MSH6-related disorders in the literature. This variant has not been identified in the general population by the Genome Aggregation Database (gnomAD). The available evidence is insufficient to determine the role of this variant in disease conclusively. Therefore, this variant is classified as a Variant of Uncertain Significance.